The following is an entry in ClinVar:

ClinVar aggregate classification (germline): Uncertain significance. Review status: criteria provided, multiple submitters, no conflicts (2 of 4 stars). 2 submissions from 2 submitters: Uncertain significance (2). Last evaluated 2025-03-11.

Submissions (2):

Ambry Genetics
Classification: Uncertain significance. Last evaluated: 2025-03-11. Review status: criteria provided, single submitter. Criteria: Ambry Variant Classification Scheme 2023. Collection method: clinical testing. Allele origin: germline.

GeneDx
Classification: Uncertain significance. Last evaluated: 2022-12-30. Review status: criteria provided, single submitter. Criteria: GeneDx Variant Classification Process June 2021. Collection method: clinical testing. Allele origin: germline. Affected: yes.
Comment: Not observed at significant frequency in large population cohorts (gnomAD); In silico analysis supports that this missense variant has a deleterious effect on protein structure/function; Has not been previously published as pathogenic or benign to our knowledge

NM_020634.3(GDF3):c.973C>A (p.Pro325Thr)

Gene: GDF3 (growth differentiation factor 3; minus strand). Cytogenetic location: 12p13.31.
Variant type: single nucleotide variant.
Coding change: c.973C>A on transcript NM_020634.3 (MANE Select); coding-DNA position 973, C replaced by A.
Protein change: p.Pro325Thr; replaces proline 325 with threonine.
Molecular consequence: missense variant.
Genome position (GRCh38, 1-based): chr12:7,690,000, G>T on the plus strand (C>A on the coding strand, the complement: GDF3 is on the minus strand). VCF-style: chr12-7690000-G-T. GRCh37 (hg19) VCF-style: chr12-7842596-G-T.
Other names: short protein forms P325T.
Identifiers: ClinVar variation 2571707 (VCV002571707.2), dbSNP rs2497338880, ClinGen allele CA383761459.